The following is an entry in ClinVar:

ClinVar aggregate classification (germline): Uncertain significance. Review status: criteria provided, single submitter (1 of 4 stars). 2 submissions from 2 submitters: Uncertain significance (1). 1 of the submissions does not count toward it. Last evaluated 2017-03-14.

Conditions:
GPBAR1-related disorder. Also called: GPBAR1-related condition.

Allele frequency attached by ClinVar (database versions not stated): gnomAD exomes 0.00015; ExAC 0.00022; ESP Exome Variant Server 0.00063; gnomAD 0.00079 and 0.00081; TOPMed 0.00089; 1000 Genomes Project 30x 0.00109; 1000 Genomes Project 0.00120.
gnomAD v4.1: 224 of 1,613,674 alleles (0.014%); highest among the groups gnomAD compares: African/African-American, 0.24%; no homozygotes.

Submissions (2):

Eurofins Ntd Llc (ga)
Classification: Uncertain significance. Last evaluated: 2017-03-14. Review status: criteria provided, single submitter. Criteria: EGL Classification Definitions 2015. Collection method: clinical testing. Allele origin: germline. Observed: 5 variant alleles, 5 heterozygotes.

PreventionGenetics, part of Exact Sciences
Classification: Likely benign for GPBAR1-related condition. Last evaluated: 2021-04-16. Review status: no assertion criteria provided. Collection method: clinical testing. Allele origin: germline. Not counted in ClinVar's aggregate classification.
Comment: This variant is classified as likely benign based on ACMG/AMP sequence variant interpretation guidelines (Richards et al. 2015 PMID: 25741868, with internal and published modifications).

NM_170699.3(GPBAR1):c.189C>T (p.Leu63=)

Gene: GPBAR1 (G protein-coupled bile acid receptor 1; plus strand). Cytogenetic location: 2q35.
Variant type: single nucleotide variant.
Coding change: c.189C>T on transcript NM_170699.3 (MANE Select); coding-DNA position 189, C replaced by T.
Protein change: p.Leu63=; no amino-acid change (leucine 63 retained).
Molecular consequence: synonymous variant.
Genome position (GRCh38, 1-based): chr2:218,262,913, C>T. VCF-style: chr2-218262913-C-T. GRCh37 (hg19) VCF-style: chr2-219127636-C-T.
Other names: c.189C>T, p.Leu63= (NM_001077191.2, NM_001077194.2, NM_001321950.2); c.189C>T (NM_001321950.1).
Identifiers: ClinVar variation 500823 (VCV000500823.7), dbSNP rs111925653, ClinGen allele CA2102528.